The following is an entry in ClinVar:

NM_032119.4(ADGRV1):c.10873C>G (p.Leu3625Val)

Gene: ADGRV1 (adhesion G protein-coupled receptor V1; plus strand). Cytogenetic location: 5q14.3.
Variant type: single nucleotide variant.
Coding change: c.10873C>G on transcript NM_032119.4 (MANE Select); coding-DNA position 10873, C replaced by G.
Protein change: p.Leu3625Val; replaces leucine 3625 with valine.
Molecular consequence: missense variant. On other transcripts: non-coding transcript variant (1).
Genome position (GRCh38, 1-based): chr5:90,745,694, C>G. VCF-style: chr5-90745694-C-G. GRCh37 (hg19) VCF-style: chr5-90041511-C-G.
Other names: short protein forms L3625V.
Identifiers: ClinVar variation 505145 (VCV000505145.15), dbSNP rs761066341, ClinGen allele CA3340843.

ClinVar aggregate classification (germline): Conflicting classifications of pathogenicity. Review status: criteria provided, conflicting classifications (1 of 4 stars). 4 submissions from 4 submitters: Uncertain significance (3); Likely benign (1). Last evaluated 2026-01-04.

Allele frequency attached by ClinVar (database versions not stated): gnomAD exomes 0.00005 and 0.00009; ExAC 0.00007.
gnomAD v4.1: 67 of 1,611,834 alleles (0.0042%); highest among the groups gnomAD compares: South Asian, 0.067%; 1 homozygote.

Submissions (4):

Labcorp Genetics (formerly Invitae), Labcorp
Classification: Likely benign. Last evaluated: 2026-01-04. Review status: criteria provided, single submitter. Criteria: Invitae Variant Classification Sherloc (09022015). Collection method: clinical testing. Allele origin: germline.

Blueprint Genetics
Classification: Uncertain significance. Last evaluated: 2024-04-10. Review status: criteria provided, single submitter. Criteria: ACMG Guidelines, 2015. Collection method: clinical testing. Allele origin: germline.

GeneDx
Classification: Uncertain significance. Last evaluated: 2023-04-28. Review status: criteria provided, single submitter. Criteria: GeneDx Variant Classification Process June 2021. Collection method: clinical testing. Allele origin: germline. Affected: yes.
Comment: Identified in an individual with Usher syndrome who either had an alternate molecular explanation for disease or in whose family the variant did not segregate with disease (Le-Quesne Stabej et al., 2012); In silico analysis supports that this missense variant does not alter protein structure/function; This variant is associated with the following publications: (PMID: 22135276)

Laboratory for Molecular Medicine, Mass General Brigham Personalized Medicine
Classification: Uncertain significance. Last evaluated: 2019-05-24. Review status: criteria provided, single submitter. Criteria: LMM Criteria. Collection method: clinical testing. Allele origin: germline. Observed: 2 variant alleles.
Comment: Variant classified as Uncertain Significance - Favor Benign. The p.Leu3625Val variant in ADGRV1 has been reported in the homozygous state in 1 individual with Ushers syndrome type 2 (Le Quesne Stabej 2012) and has also been identified in 0.06% (21/30592) South Asian chromosomes by gnomAD. In addition, it has now been detected by our laboratory in cis with another pathogenic variant in the ADGRV1 gene in two individuals, which suggests that this variant is less likely to be pathogenic. Computational prediction tools and conservation analyses suggest that this variant may impact the protein, though this information is not predictive enough to determine pathogenicity. In summary, the clinical significance of the p.Leu3625Val variant is uncertain. In summary, while the clinical significance of the p.Leu3625Val variant is uncertain, its presence in cis with another pathogenic ADGRV1 variant suggests that it is more likely to be benign. ACMG/AMP Criteria applied: BP2; PP3.

Literature cited by the submitters: PubMed 22135276 (cited by Laboratory for Molecular Medicine, Mass General Brigham Personalized Medicine).